The following is an entry in ClinVar:

ClinVar aggregate classification (germline): Uncertain significance (1 of 4 stars; one submission).

Allele frequency attached by ClinVar (database versions not stated): gnomAD exomes below 0.00001; TOPMed 0.00001.
gnomAD v4.1: 1 of 1,614,162 alleles (0.000062%); highest among the groups gnomAD compares: Non-Finnish European, 0.000085%; no homozygotes.

Submission:

Ambry Genetics
Classification: Uncertain significance. Last evaluated: 2022-10-02. Review status: criteria provided, single submitter. Criteria: Ambry Variant Classification Scheme 2023. Collection method: clinical testing. Allele origin: germline.
Comment: The p.V1735M variant (also known as c.5203G>A), located in coding exon 4 of the ALPK2 gene, results from a G to A substitution at nucleotide position 5203. The valine at codon 1735 is replaced by methionine, an amino acid with highly similar properties. This amino acid position is conserved. In addition, this alteration is predicted to be tolerated by in silico analysis. Since supporting evidence is limited at this time, the clinical significance of this alteration remains unclear.

NM_052947.4(ALPK2):c.5203G>A (p.Val1735Met)

Genes: ALPK2 (alpha kinase 2; minus strand), LOC130062577 (ATAC-STARR-seq lymphoblastoid active region 13389; plus strand). Cytogenetic location: 18q21.31.
Variant type: single nucleotide variant.
Coding change: c.5203G>A on transcript NM_052947.4 (MANE Select); coding-DNA position 5203, G replaced by A.
Protein change: p.Val1735Met; replaces valine 1735 with methionine.
Molecular consequence: missense variant.
Genome position (GRCh38, 1-based): chr18:58,534,984, C>T on the plus strand (G>A on the coding strand, the complement: ALPK2 is on the minus strand). VCF-style: chr18-58534984-C-T. GRCh37 (hg19) VCF-style: chr18-56202216-C-T.
Other names: short protein forms V1735M.
Identifiers: ClinVar variation 1746048 (VCV001746048.2), dbSNP rs1408192530, ClinGen allele CA402557574.